The following is an entry in ClinVar:

NM_002691.4(POLD1):c.2626A>G (p.Ile876Val)

Gene: POLD1 (DNA polymerase delta 1, catalytic subunit; plus strand). Cytogenetic location: 19q13.33.
Variant type: single nucleotide variant.
Coding change: c.2626A>G on transcript NM_002691.4 (MANE Select); coding-DNA position 2626, A replaced by G.
Protein change: p.Ile876Val; replaces isoleucine 876 with valine.
Molecular consequence: missense variant. On other transcripts: non-coding transcript variant (1).
Genome position (GRCh38, 1-based): chr19:50,415,499, A>G. VCF-style: chr19-50415499-A-G. GRCh37 (hg19) VCF-style: chr19-50918756-A-G.
Other names: c.2626A>G, p.Ile876Val (NM_001256849.1); c.2704A>G, p.Ile902Val (NM_001308632.1); short protein forms I902V, I876V.
Identifiers: ClinVar variation 582205 (VCV000582205.11), dbSNP rs1354252782, ClinGen allele CA406985473.

ClinVar aggregate classification (germline): Conflicting classifications of pathogenicity. Review status: criteria provided, conflicting classifications (1 of 4 stars). 2 submissions from 2 submitters: Uncertain significance (1); Likely benign (1). Last evaluated 2024-08-19.

Conditions:
POLD1-related polyposis and colorectal cancer syndrome (CRCS10). Also called: Colorectal cancer 10; COLORECTAL CANCER, SUSCEPTIBILITY TO, ON CHROMOSOME 19q; Colorectal cancer, susceptibility to, 10. Identifiers: Orphanet 220460, MedGen C2675481, MONDO:0012953, OMIM 612591.
Hereditary cancer-predisposing syndrome. Also called: Tumor predisposition; Neoplastic Syndromes, Hereditary; Hereditary Cancer Syndrome; Hereditary neoplastic syndrome. Identifiers: Orphanet 140162, MedGen C0027672, MeSH D009386, MONDO:0015356.

Allele frequency attached by ClinVar (database versions not stated): gnomAD exomes below 0.00001; gnomAD 0.00001; TOPMed 0.00001.
gnomAD v4.1: 8 of 1,613,308 alleles (0.0005%); highest among the groups gnomAD compares: African/African-American, 0.0013%; no homozygotes.

Submissions (2):

Labcorp Genetics (formerly Invitae), Labcorp
Classification: Uncertain significance for POLD1-related polyposis and colorectal cancer syndrome. Last evaluated: 2024-08-19. Review status: criteria provided, single submitter. Criteria: Invitae Variant Classification Sherloc (09022015). Collection method: clinical testing. Allele origin: germline.
Comment: This sequence change replaces isoleucine, which is neutral and non-polar, with valine, which is neutral and non-polar, at codon 876 of the POLD1 protein (p.Ile876Val). This variant is present in population databases (no rsID available, gnomAD 0.01%). This variant has not been reported in the literature in individuals affected with POLD1-related conditions. ClinVar contains an entry for this variant (Variation ID: 582205). Invitae Evidence Modeling of protein sequence and biophysical properties (such as structural, functional, and spatial information, amino acid conservation, physicochemical variation, residue mobility, and thermodynamic stability) indicates that this missense variant is not expected to disrupt POLD1 protein function with a negative predictive value of 80%. In summary, the available evidence is currently insufficient to determine the role of this variant in disease. Therefore, it has been classified as a Variant of Uncertain Significance.

Ambry Genetics
Classification: Likely benign for Hereditary cancer-predisposing syndrome. Last evaluated: 2024-03-28. Review status: criteria provided, single submitter. Criteria: Ambry Variant Classification Scheme 2023. Collection method: clinical testing. Allele origin: germline.